The following is an entry in ClinVar:

NM_004239.4(TRIP11):c.5530C>G (p.Pro1844Ala)

Gene: TRIP11 (thyroid hormone receptor interactor 11; minus strand). Cytogenetic location: 14q32.12.
Variant type: single nucleotide variant.
Coding change: c.5530C>G on transcript NM_004239.4 (MANE Select); coding-DNA position 5530, C replaced by G.
Protein change: p.Pro1844Ala; replaces proline 1844 with alanine.
Molecular consequence: missense variant.
Genome position (GRCh38, 1-based): chr14:91,974,671, G>C on the plus strand (C>G on the coding strand, the complement: TRIP11 is on the minus strand). VCF-style: chr14-91974671-G-C. GRCh37 (hg19) VCF-style: chr14-92441015-G-C.
Other names: c.5527C>G, p.Pro1843Ala (NM_001321851.1); short protein forms P1843A, P1844A.
Identifiers: ClinVar variation 2192559 (VCV002192559.2), dbSNP rs753937666, ClinGen allele CA7313126.

ClinVar aggregate classification (germline): Uncertain significance (1 of 4 stars; one submission).

Conditions:
Achondrogenesis, type IA (ACG1A). Identifiers: Orphanet 932, Orphanet 93299, MedGen C0265273, MONDO:0008701, OMIM 200600.

Allele frequency attached by ClinVar (database versions not stated): gnomAD exomes below 0.00001; TOPMed below 0.00001.

Submission:

Labcorp Genetics (formerly Invitae), Labcorp
Classification: Uncertain significance for Achondrogenesis, type IA. Last evaluated: 2023-08-10. Review status: criteria provided, single submitter. Criteria: Invitae Variant Classification Sherloc (09022015). Collection method: clinical testing. Allele origin: germline.
Comment: This sequence change replaces proline, which is neutral and non-polar, with alanine, which is neutral and non-polar, at codon 1844 of the TRIP11 protein (p.Pro1844Ala). This variant is present in population databases (rs753937666, gnomAD 0.003%). This variant has not been reported in the literature in individuals affected with TRIP11-related conditions. ClinVar contains an entry for this variant (Variation ID: 2192559). Advanced modeling of protein sequence and biophysical properties (such as structural, functional, and spatial information, amino acid conservation, physicochemical variation, residue mobility, and thermodynamic stability) has been performed at Invitae for this missense variant, however the output from this modeling did not meet the statistical confidence thresholds required to predict the impact of this variant on TRIP11 protein function. In summary, the available evidence is currently insufficient to determine the role of this variant in disease. Therefore, it has been classified as a Variant of Uncertain Significance.